The following is an entry in ClinVar:

NM_182961.4(SYNE1):c.25706T>C (p.Ile8569Thr)

Gene: SYNE1 (spectrin repeat containing nuclear envelope protein 1; minus strand). Cytogenetic location: 6q25.2.
Variant type: single nucleotide variant.
Coding change: c.25706T>C on transcript NM_182961.4 (MANE Select); coding-DNA position 25706, T replaced by C.
Protein change: p.Ile8569Thr; replaces isoleucine 8569 with threonine.
Molecular consequence: missense variant.
Genome position (GRCh38, 1-based): chr6:152,135,186, A>G on the plus strand (T>C on the coding strand, the complement: SYNE1 is on the minus strand). VCF-style: chr6-152135186-A-G. GRCh37 (hg19) VCF-style: chr6-152456321-A-G.
Other names: c.2312T>C, p.Ile771Thr (NM_001347701.2); c.2240T>C, p.Ile747Thr (NM_001347702.2); c.25562T>C, p.Ile8521Thr (NM_033071.5); short protein forms I8521T, I8569T, I771T, I747T.
Identifiers: ClinVar variation 440317 (VCV000440317.14), dbSNP rs760698113, ClinGen allele CA4052758.
Genomic context (GRCh38, chr6:152,135,186, plus strand): 5'-TGAAGTATCTCTGCATCAAGGTTAGAATCAATAGGGACAATTTCATTTTTCCTTCTGTCA[A>G]TGTTCTCCAGCATAAGAAGCAAACCATGGCTCATTTCATGGAAACCCTACAGAAAACAGT-3'
Protein context (NP_892006.3, residues 8559-8579): SHGLLLMLEN[Ile8569Thr]DRRKNEIVPI

ClinVar aggregate classification (germline): Uncertain significance. Review status: criteria provided, multiple submitters, no conflicts (2 of 4 stars). 2 submissions from 2 submitters: Uncertain significance (2). Last evaluated 2021-10-20.

Conditions:
Emery-Dreifuss muscular dystrophy 4, autosomal dominant (EDMD4). Also called: EMERY-DREIFUSS MUSCULAR DYSTROPHY 4 WITH VARIABLE FEATURES. Identifiers: Orphanet 261, MedGen C2751807, MONDO:0013071, OMIM 612998.
Autosomal recessive ataxia, Beauce type. Also called: Spinocerebellar ataxia, autosomal recessive 8; ATAXIA, RECESSIVE, OF BEAUCE; SYNE1-Related Autosomal Recessive Cerebellar Ataxia; SYNE1 Deficiency. Identifiers: Orphanet 88644, MedGen C1853116, MONDO:0012549, OMIM 610743.

Allele frequency attached by ClinVar (database versions not stated): gnomAD 0.00001; gnomAD exomes 0.00001 and 0.00002; TOPMed 0.00001; ExAC 0.00002.
gnomAD v4.1: 22 of 1,614,030 alleles (0.0014%); highest among the groups gnomAD compares: Non-Finnish European, 0.0018%; no homozygotes.

Submissions (2):

Labcorp Genetics (formerly Invitae), Labcorp
Classification: Uncertain significance for Emery-Dreifuss muscular dystrophy 4, autosomal dominant; Autosomal recessive ataxia, Beauce type. Last evaluated: 2021-10-20. Review status: criteria provided, single submitter. Criteria: Invitae Variant Classification Sherloc (09022015). Collection method: clinical testing. Allele origin: germline.
Comment: In summary, the available evidence is currently insufficient to determine the role of this variant in disease. Therefore, it has been classified as a Variant of Uncertain Significance. Algorithms developed to predict the effect of missense changes on protein structure and function are either unavailable or do not agree on the potential impact of this missense change (SIFT: "Deleterious"; PolyPhen-2: "Benign"; Align-GVGD: "Class C0"). ClinVar contains an entry for this variant (Variation ID: 440317). This variant has not been reported in the literature in individuals affected with SYNE1-related conditions. This variant is present in population databases (rs760698113, ExAC 0.003%). This sequence change replaces isoleucine with threonine at codon 8521 of the SYNE1 protein (p.Ile8521Thr). The isoleucine residue is highly conserved and there is a moderate physicochemical difference between isoleucine and threonine.

ARUP Laboratories, Molecular Genetics and Genomics, ARUP Laboratories
Classification: Uncertain significance. Last evaluated: 2017-02-21. Review status: criteria provided, single submitter. Criteria: ARUP Molecular Germline Variant Investigation Process. Collection method: clinical testing. Allele origin: germline.